The following is an entry in ClinVar:

ClinVar aggregate classification (germline): Uncertain significance. Review status: criteria provided, multiple submitters, no conflicts (2 of 4 stars). 3 submissions from 3 submitters: Uncertain significance (3). Last evaluated 2025-11-24.

Conditions:
Inborn genetic diseases. Identifiers: MedGen C0950123, MeSH D030342.
Myopathy, proximal, and ophthalmoplegia (CMYO6). Also called: MYOPATHY WITH CONGENITAL JOINT CONTRACTURES, OPHTHALMOPLEGIA, AND RIMMED VACUOLES; INCLUSION BODY MYOPATHY 3, AUTOSOMAL DOMINANT; CONGENITAL MYOPATHY 6 WITH OPHTHALMOPLEGIA. Identifiers: Orphanet 363677, Orphanet 79091, MedGen C1854106, MONDO:0011577, OMIM 605637.

Allele frequency attached by ClinVar (database versions not stated): gnomAD exomes 0.00001.
gnomAD v4.1: 13 of 1,614,192 alleles (0.00081%); highest among the groups gnomAD compares: Non-Finnish European, 0.001%; no homozygotes.

Submissions (3):

Labcorp Genetics (formerly Invitae), Labcorp
Classification: Uncertain significance for Myopathy, proximal, and ophthalmoplegia. Last evaluated: 2025-11-24. Review status: criteria provided, single submitter. Criteria: Invitae Variant Classification Sherloc (09022015). Collection method: clinical testing. Allele origin: germline.
Comment: This sequence change replaces leucine, which is neutral and non-polar, with phenylalanine, which is neutral and non-polar, at codon 1856 of the MYH2 protein (p.Leu1856Phe). This variant is present in population databases (no rsID available, gnomAD 0.002%). This variant has not been reported in the literature in individuals affected with MYH2-related conditions. ClinVar contains an entry for this variant (Variation ID: 571629). Invitae Evidence Modeling of protein sequence and biophysical properties (such as structural, functional, and spatial information, amino acid conservation, physicochemical variation, residue mobility, and thermodynamic stability) indicates that this missense variant is not expected to disrupt MYH2 protein function with a negative predictive value of 80%. In summary, the available evidence is currently insufficient to determine the role of this variant in disease. Therefore, it has been classified as a Variant of Uncertain Significance.

Ambry Genetics
Classification: Uncertain significance for Inborn genetic diseases. Last evaluated: 2025-02-07. Review status: criteria provided, single submitter. Criteria: Ambry Variant Classification Scheme 2023. Collection method: clinical testing. Allele origin: germline.

GeneDx
Classification: Uncertain significance. Last evaluated: 2022-08-15. Review status: criteria provided, single submitter. Criteria: GeneDx Variant Classification Process June 2021. Collection method: clinical testing. Allele origin: germline. Affected: yes.
Comment: Not observed at significant frequency in large population cohorts (gnomAD); In silico analysis supports that this missense variant has a deleterious effect on protein structure/function; Has not been previously published as pathogenic or benign to our knowledge

NM_017534.6(MYH2):c.5566C>T (p.Leu1856Phe)

Genes: MYH2 (myosin heavy chain 2; minus strand), MYHAS (myosin heavy chain gene cluster antisense RNA; plus strand). Cytogenetic location: 17p13.1.
Variant type: single nucleotide variant.
Coding change: c.5566C>T on transcript NM_017534.6 (MANE Select); coding-DNA position 5566, C replaced by T.
Protein change: p.Leu1856Phe; replaces leucine 1856 with phenylalanine.
Molecular consequence: missense variant.
Genome position (GRCh38, 1-based): chr17:10,523,319, G>A on the plus strand (C>T on the coding strand, the complement: MYH2 is on the minus strand). VCF-style: chr17-10523319-G-A. GRCh37 (hg19) VCF-style: chr17-10426636-G-A.
Other names: c.5566C>T, p.Leu1856Phe (NM_001100112.2); short protein forms L1856F.
Identifiers: ClinVar variation 571629 (VCV000571629.7), dbSNP rs1488236141, ClinGen allele CA398114704.